The following is an entry in ClinVar:

NM_003190.5(TAPBP):c.989G>C (p.Trp330Ser)

Gene: TAPBP (TAP binding protein; minus strand). Cytogenetic location: 6p21.32.
Variant type: single nucleotide variant.
Coding change: c.989G>C on transcript NM_003190.5 (MANE Select); coding-DNA position 989, G replaced by C.
Protein change: p.Trp330Ser; replaces tryptophan 330 with serine.
Molecular consequence: missense variant.
Genome position (GRCh38, 1-based): chr6:33,304,518, C>G on the plus strand (G>C on the coding strand, the complement: TAPBP is on the minus strand). VCF-style: chr6-33304518-C-G. GRCh37 (hg19) VCF-style: chr6-33272295-C-G.
Other names: c.989G>C, p.Trp330Ser (NM_001410875.1, NM_172208.3); c.728G>C, p.Trp243Ser (NM_172209.3); short protein forms W243S, W330S.
Identifiers: ClinVar variation 2877136 (VCV002877136.3), dbSNP rs2536717664, ClinGen allele CA363689253.

ClinVar aggregate classification (germline): Uncertain significance (1 of 4 stars; one submission).

Conditions:
MHC class I deficiency. Identifiers: Orphanet 34592, MedGen C6024714, MONDO:0011476.

Submission:

Labcorp Genetics (formerly Invitae), Labcorp
Classification: Uncertain significance for MHC class I deficiency 1. Last evaluated: 2023-02-09. Review status: criteria provided, single submitter. Criteria: Invitae Variant Classification Sherloc (09022015). Collection method: clinical testing. Allele origin: germline.
Comment: In summary, the available evidence is currently insufficient to determine the role of this variant in disease. Therefore, it has been classified as a Variant of Uncertain Significance. Algorithms developed to predict the effect of missense changes on protein structure and function (SIFT, PolyPhen-2, Align-GVGD) all suggest that this variant is likely to be disruptive. This variant has not been reported in the literature in individuals affected with TAPBP-related conditions. This variant is not present in population databases (gnomAD no frequency). This sequence change replaces tryptophan, which is neutral and slightly polar, with serine, which is neutral and polar, at codon 330 of the TAPBP protein (p.Trp330Ser).